The following is an entry in ClinVar:

ClinVar aggregate classification (germline): Conflicting classifications of pathogenicity. Review status: criteria provided, conflicting classifications (1 of 4 stars). 7 submissions from 7 submitters: Uncertain significance (4); Likely benign (3). Last evaluated 2025-12-24.

Conditions:
Hereditary cancer-predisposing syndrome. Also called: Hereditary neoplastic syndrome; Neoplastic Syndromes, Hereditary; Tumor predisposition; Hereditary Cancer Syndrome. Identifiers: Orphanet 140162, MedGen C0027672, MeSH D009386, MONDO:0015356.
Tuberous sclerosis syndrome (TSC). Also called: Tuberous Sclerosis Complex; Tuberous sclerosis. Identifiers: Orphanet 805, MedGen C0041341, MONDO:0001734.
Tuberous sclerosis 2 (TSC2). Identifiers: Orphanet 805, MedGen C1860707, MONDO:0013199, OMIM 613254.

Allele frequency attached by ClinVar (database versions not stated): ExAC 0.00001; gnomAD 0.00001; gnomAD exomes 0.00001; TOPMed 0.00001.
gnomAD v4.1: 8 of 1,613,850 alleles (0.0005%); highest among the groups gnomAD compares: Non-Finnish European, 0.00068%; no homozygotes.

Submissions (7):

Labcorp Genetics (formerly Invitae), Labcorp
Classification: Likely benign for Tuberous sclerosis 2. Last evaluated: 2025-12-24. Review status: criteria provided, single submitter. Criteria: Invitae Variant Classification Sherloc (09022015). Collection method: clinical testing. Allele origin: germline.

Quest Diagnostics Nichols Institute San Juan Capistrano
Classification: Uncertain significance. Last evaluated: 2025-01-03. Review status: criteria provided, single submitter. Criteria: Quest Diagnostics criteria. Collection method: clinical testing. Allele origin: unknown.

Color Diagnostics, LLC DBA Color Health
Classification: Uncertain significance for Tuberous sclerosis syndrome. Last evaluated: 2024-03-06. Review status: criteria provided, single submitter. Criteria: ACMG Guidelines, 2015. Collection method: clinical testing. Allele origin: germline.
Comment: This missense variant replaces alanine with valine at codon 894 of the TSC2 protein. Computational prediction suggests that this variant may have deleterious impact on protein structure and function. To our knowledge, functional studies have not been reported for this variant. This variant has not been reported in individuals affected with tuberous sclerosis complex in the literature. This variant has not been identified in the general population by the Genome Aggregation Database (gnomAD). The available evidence is insufficient to determine the role of this variant in disease conclusively. Therefore, this variant is classified as a Variant of Uncertain Significance.

All of Us Research Program, National Institutes of Health
Classification: Uncertain significance for Tuberous sclerosis syndrome. Last evaluated: 2023-12-01. Review status: criteria provided, single submitter. Criteria: ACMG Guidelines, 2015. Collection method: clinical testing. Allele origin: germline. Inheritance: Autosomal dominant inheritance. Observed: 2 variant alleles, 2 heterozygotes.
Comment: This missense variant replaces alanine with valine at codon 894 of the TSC2 protein. Computational prediction suggests that this variant may have deleterious impact on protein structure and function (internally defined REVEL score threshold >= 0.7, PMID: 27666373). To our knowledge, functional studies have not been reported for this variant. This variant has not been reported in individuals affected with tuberous sclerosis complex in the literature. This variant has not been identified in the general population by the Genome Aggregation Database (gnomAD). The available evidence is insufficient to determine the role of this variant in disease conclusively. Therefore, this variant is classified as a Variant of Uncertain Significance.

This study involves interpretation of variants in research participants for the purpose of population health screening. Participant phenotype was not available at the time of variant classification. Additional details can be found in publication PMID: 35346344, PMCID: PMC8962531

Ambry Genetics
Classification: Likely benign for Hereditary cancer-predisposing syndrome. Last evaluated: 2023-03-01. Review status: criteria provided, single submitter. Criteria: Ambry Variant Classification Scheme 2023. Collection method: clinical testing. Allele origin: germline.

Genome-Nilou Lab
Classification: Likely benign for Tuberous sclerosis 2. Last evaluated: 2021-11-07. Review status: criteria provided, single submitter. Criteria: ACMG Guidelines, 2015. Collection method: clinical testing. Allele origin: germline. Affected: no.

Institute for Clinical Genetics, University Hospital TU Dresden, University Hospital TU Dresden
Classification: Uncertain significance. Last evaluated: 2021-11-03. Review status: criteria provided, single submitter. Criteria: ACMG Guidelines, 2015. Collection method: clinical testing. Allele origin: germline.

NM_000548.5(TSC2):c.2681C>T (p.Ala894Val)

Gene: TSC2 (TSC complex subunit 2; plus strand). Cytogenetic location: 16p13.3.
Variant type: single nucleotide variant.
Coding change: c.2681C>T on transcript NM_000548.5 (MANE Select); coding-DNA position 2681, C replaced by T.
Protein change: p.Ala894Val; replaces alanine 894 with valine.
Molecular consequence: missense variant.
Genome position (GRCh38, 1-based): chr16:2,076,109, C>T. VCF-style: chr16-2076109-C-T. GRCh37 (hg19) VCF-style: chr16-2126110-C-T.
Other names: c.2681C>T, p.Ala894Val (NM_001077183.3, NM_001114382.3, NM_001363528.2 and 3 more transcripts); c.2570C>T, p.Ala857Val (NM_001318827.2); c.2534C>T, p.Ala845Val (NM_001318829.2); c.2081C>T, p.Ala694Val (NM_001318831.2); c.2714C>T, p.Ala905Val (NM_001318832.2); short protein forms A894V, A905V, A694V, A845V, A857V.
Identifiers: ClinVar variation 467957 (VCV000467957.22), dbSNP rs777282955, ClinGen allele CA040893.
Genomic context (GRCh38, chr16:2,076,109, plus strand): 5'-AGCCCCCTTCTCATCTCAGGTTTAATCAGTACATCGTGTGTCTGGCCCATCACGTCATAG[C>T]CATGTGGTTCATCAGGTGCCGCCTGCCCTTCCGGAAGGATTTTGTCCCTTTCATCACTAA-3'
Protein context (NP_000539.2, residues 884-904): YIVCLAHHVI[Ala894Val]MWFIRCRLPF